The following is an entry in ClinVar:

NM_000051.4(ATM):c.1208C>A (p.Ser403Ter)

Gene: ATM (ATM serine/threonine kinase; plus strand). Cytogenetic location: 11q22.3.
Variant type: single nucleotide variant.
Coding change: c.1208C>A on transcript NM_000051.4 (MANE Select); coding-DNA position 1208, C replaced by A.
Protein change: p.Ser403Ter; replaces serine 403 with a stop codon.
Molecular consequence: nonsense.
Genome position (GRCh38, 1-based): chr11:108,249,075, C>A. VCF-style: chr11-108249075-C-A. GRCh37 (hg19) VCF-style: chr11-108119802-C-A.
Other names: c.1208C>A, p.Ser403Ter (NM_001351834.2); short protein forms S403*.
Identifiers: ClinVar variation 419518 (VCV000419518.21), dbSNP rs747563556, ClinGen allele CA16619109.
Genomic context (GRCh38, chr11:108,249,075, plus strand): 5'-CTTGCAAAAGGAAGAAAATAGAACTAGGCTGGGAAGTAATAAAAGATCACCTTCAGAAGT[C>A]ACAGAATGATTTTGATCTTGTGCCTTGGTAAAGTGTTACCATTTTCTCATTCAGTGTCAT-3'

ClinVar aggregate classification (germline): Pathogenic/Likely pathogenic. Review status: criteria provided, multiple submitters, no conflicts (2 of 4 stars). 8 submissions from 8 submitters: Pathogenic (7); Likely pathogenic (1). Last evaluated 2025-09-27.

Conditions:
Hereditary cancer-predisposing syndrome. Also called: Hereditary neoplastic syndrome; Hereditary Cancer Syndrome; Neoplastic Syndromes, Hereditary; Tumor predisposition. Identifiers: Orphanet 140162, MedGen C0027672, MeSH D009386, MONDO:0015356.
Familial cancer of breast. Also called: hereditary breast carcinoma; Hereditary breast cancer; BREAST CANCER, FAMILIAL. Identifiers: Orphanet 227535, MedGen C0346153, MONDO:0016419, OMIM 114480. Disease mechanism: loss of function.
Ataxia-telangiectasia syndrome (AT). Also called: Ataxia-telangiectasia, complementation group D; Cerebello-oculocutaneous telangiectasia; Immunodeficiency with ataxia telangiectasia; ATAXIA-TELANGIECTASIA, COMPLEMENTATION GROUP A; ATAXIA-TELANGIECTASIA, FRESNO VARIANT; LOUIS-BAR SYNDROME. Identifiers: Orphanet 100, MedGen C0004135, MONDO:0008840, OMIM 208900.
Malignant tumor of breast. Also called: Cancer breast; Malignant breast neoplasm. Identifiers: MedGen C0006142, MONDO:0007254. Disease mechanism: loss of function.

Allele frequency attached by ClinVar (database versions not stated): TOPMed below 0.00001; gnomAD 0.00001.
gnomAD v4.1: 1 of 1,613,812 alleles (0.000062%); highest among the groups gnomAD compares: African/African-American, 0.0013%; no homozygotes.

Submissions (8):

Labcorp Genetics (formerly Invitae), Labcorp
Classification: Pathogenic for Ataxia-telangiectasia syndrome. Last evaluated: 2025-09-27. Review status: criteria provided, single submitter. Criteria: Invitae Variant Classification Sherloc (09022015). Collection method: clinical testing. Allele origin: germline.
Comment: This sequence change creates a premature translational stop signal (p.Ser403*) in the ATM gene. It is expected to result in an absent or disrupted protein product. Loss-of-function variants in ATM are known to be pathogenic (PMID: 23807571, 25614872). This variant is not present in population databases (gnomAD no frequency). This variant has not been reported in the literature in individuals affected with ATM-related conditions. ClinVar contains an entry for this variant (Variation ID: 419518). Algorithms developed to predict the effect of sequence changes on RNA splicing suggest that this variant may disrupt the consensus splice site. For these reasons, this variant has been classified as Pathogenic.

Natera, Inc.
Classification: Pathogenic for Ataxia-telangiectasia. Last evaluated: 2024-08-15. Review status: criteria provided, single submitter. Criteria: Natera Variant Classification Schema (03/2026). Collection method: clinical testing. Allele origin: germline.
Comment: The c.1208C>A variant in ATM is a nonsense variant predicted to introduce a stop codon at amino acid 403. This variant is expected to result in nonsense mediated decay, truncation, or a dysfunctional protein product. This variant is rare in the general population with a frequency below the threshold expected for the associated phenotype(s). This variant has been observed in one or more individuals affected with the associated recessive disease, as either homozygous or compound heterozygous with a second variant (PMID: 37802069). Given the available evidence, this variant is classified as Pathogenic.

Women's Health and Genetics/Laboratory Corporation of America, LabCorp
Classification: Pathogenic for Malignant tumor of breast. Last evaluated: 2024-04-08. Review status: criteria provided, single submitter. Criteria: LabCorp Variant Classification Summary - May 2015. Collection method: clinical testing. Allele origin: germline.
Comment: Variant summary: ATM c.1208C>A (p.Ser403X) results in a premature termination codon, predicted to cause absence of the protein due to nonsense mediated decay, which is a commonly known mechanism for disease. The variant was absent in 251198 control chromosomes. c.1208C>A has been reported in the literature in individuals affected with Breast Cancer (example, Palmer_2020). These data indicate that the variant is very likely associated with disease. To our knowledge, no experimental evidence demonstrating an impact on protein function has been reported. The following publication have been ascertained in the context of this evaluation (PMID: 32427313). ClinVar contains an entry for this variant (Variation ID: 419518). Based on the evidence outlined above, the variant was classified as pathogenic.

GeneDx
Classification: Pathogenic. Last evaluated: 2024-03-13. Review status: criteria provided, single submitter. Criteria: GeneDx Variant Classification Process June 2021. Collection method: clinical testing. Allele origin: germline. Affected: yes.
Comment: Nonsense variant predicted to result in protein truncation or nonsense mediated decay in a gene for which loss of function is a known mechanism of disease; Not observed at significant frequency in large population cohorts (gnomAD); Observed in individuals with breast cancer (PMID: 32427313); Truncating variants in this gene are considered pathogenic by a well-established clinical consortium and/or database; This variant is associated with the following publications: (PMID: 32427313)

Myriad Genetics, Inc.
Classification: Pathogenic for Familial cancer of breast. Last evaluated: 2024-01-12. Review status: criteria provided, single submitter. Criteria: Myriad Autosomal Dominant, Autosomal Recessive and X-Linked Classification Criteria (2023). Collection method: clinical testing. Allele origin: unknown.
Comment: This variant is considered pathogenic. This variant creates a termination codon and is predicted to result in premature protein truncation.

Ambry Genetics
Classification: Pathogenic for Hereditary cancer-predisposing syndrome. Last evaluated: 2023-03-10. Review status: criteria provided, single submitter. Criteria: Ambry Variant Classification Scheme 2023. Collection method: clinical testing. Allele origin: germline.
Comment: The p.S403* pathogenic mutation (also known as c.1208C>A), located in coding exon 8 of the ATM gene, results from a C to A substitution at nucleotide position 1208. This changes the amino acid from a serine to a stop codon within coding exon 8. This alteration is expected to result in loss of function by premature protein truncation or nonsense-mediated mRNA decay. As such, this alteration is interpreted as a disease-causing mutation.

Baylor Genetics
Classification: Likely pathogenic for Familial cancer of breast. Last evaluated: 2022-03-29. Review status: criteria provided, single submitter. Criteria: ACMG Guidelines, 2015. Collection method: clinical testing. Allele origin: unknown.

Revvity Omics, Revvity
Classification: Pathogenic for Ataxia-telangiectasia syndrome. Last evaluated: 2019-05-06. Review status: criteria provided, single submitter. Criteria: ACMG Guidelines, 2015. Collection method: clinical testing. Allele origin: germline.

Literature cited by the submitters: PubMed 23807571 (cited by Labcorp Genetics (formerly Invitae), Labcorp); PubMed 25614872 (cited by Labcorp Genetics (formerly Invitae), Labcorp); PubMed 37802069 (cited by Natera, Inc.); PubMed 32427313 (cited by Women's Health and Genetics/Laboratory Corporation of America, LabCorp).